The following is an entry in ClinVar:

NM_001042413.2(GLIS3):c.244C>T (p.Pro82Ser)

Gene: GLIS3 (GLIS family zinc finger 3; minus strand). Cytogenetic location: 9p24.2.
Variant type: single nucleotide variant.
Coding change: c.244C>T on transcript NM_001042413.2 (MANE Select); coding-DNA position 244, C replaced by T.
Protein change: p.Pro82Ser; replaces proline 82 with serine.
Molecular consequence: missense variant. On other transcripts: 5 prime UTR variant (2), intron variant (3).
Genome position (GRCh38, 1-based): chr9:4,286,182, G>A on the plus strand (C>T on the coding strand, the complement: GLIS3 is on the minus strand). VCF-style: chr9-4286182-G-A. GRCh37 (hg19) VCF-style: chr9-4286182-G-A.
Other names: c.244C>T, p.Pro82Ser (NM_001438906.1, NM_001438907.1, NM_001438908.1 and 2 more transcripts); c.-215C>T (NM_001438911.1, NM_001438916.1); c.-71+13239C>T (NM_001438912.1); c.-78+13239C>T (NM_001438909.1, NM_001438915.1); short protein forms P82S.
Identifiers: ClinVar variation 4822415 (VCV004822415.4).

ClinVar aggregate classification (germline): Uncertain significance (1 of 4 stars; one submission).

gnomAD v4.1: 14 of 1,614,228 alleles (0.00087%); highest among the groups gnomAD compares: South Asian, 0.013%; no homozygotes.

Submission:

CeGaT Center for Human Genetics Tuebingen
Classification: Uncertain significance. Last evaluated: 2026-01-01. Review status: criteria provided, single submitter. Criteria: CeGaT Center For Human Genetics Tuebingen Variant Classification Criteria Version 2. Collection method: clinical testing. Allele origin: germline. Affected: yes. Observed: 1 variant allele.
Comment: GLIS3: PM2